The following is an entry in ClinVar:

NM_001034853.2(RPGR):c.2863_2866del (p.Trp955fs)

Gene: RPGR (retinitis pigmentosa GTPase regulator; minus strand). Cytogenetic location: Xp11.4.
Variant type: Deletion.
Coding change: c.2863_2866del on transcript NM_001034853.2 (MANE Select); coding-DNA positions 2863 to 2866, 4 bases deleted (TGGG; older notation c.2863_2866delTGGG).
Protein change: p.Trp955fs; shifts the reading frame from tryptophan 955.
Molecular consequence: frameshift variant. On other transcripts: intron variant (8).
Genome position (GRCh38, 1-based): chrX:38,286,133-38,286,136, CCCA deleted on the plus strand (TGGG on the coding strand, the reverse complement: RPGR is on the minus strand). VCF-style (leftmost placement, unchanged base first): chrX-38286132-TCCCA-T. GRCh37 (hg19) VCF-style: chrX-38145385-TCCCA-T.
Other names: c.1569+4823_1569+4826del (NM_001367249.1, NM_001367250.1); c.1902+958_1902+961del (NM_001367245.1); c.1386+4823_1386+4826del (NM_001367251.1); c.1719+958_1719+961del (NM_001367246.1); c.1572+4823_1572+4826del (NM_001367247.1); c.1905+958_1905+961del (NM_000328.3); c.1602+4823_1602+4826del (NM_001367248.1); short protein forms W955fs.
Identifiers: ClinVar variation 2430215 (VCV002430215.4), dbSNP rs2519785890, ClinGen allele CA2580100835.

ClinVar aggregate classification (germline): Pathogenic. Review status: criteria provided, multiple submitters, no conflicts (2 of 4 stars). 2 submissions from 2 submitters: Pathogenic (2). Last evaluated 2024-07-24.

Conditions:
Primary ciliary dyskinesia. Also called: Ciliary dyskinesia. Identifiers: Orphanet 244, MedGen C0008780, MONDO:0016575, HP:0012265.

Submissions (2):

Labcorp Genetics (formerly Invitae), Labcorp
Classification: Pathogenic for Primary ciliary dyskinesia. Last evaluated: 2024-07-24. Review status: criteria provided, single submitter. Criteria: Invitae Variant Classification Sherloc (09022015). Collection method: clinical testing. Allele origin: germline.
Comment: This sequence change creates a premature translational stop signal (p.Trp955Argfs*133) in the RPGR (ORF15) gene. While this is not anticipated to result in nonsense mediated decay, it is expected to disrupt the last 198 amino acid(s) of the RPGR (ORF15) protein. The frequency data for this variant in the population databases is considered unreliable, as metrics indicate insufficient coverage at this position in the gnomAD database. This variant has not been reported in the literature in individuals affected with RPGR (ORF15)-related conditions. ClinVar contains an entry for this variant (Variation ID: 2430215). This variant disrupts a region of the RPGR (ORF15) protein in which other variant(s) (p.Leu1130Lysfs*13) have been determined to be pathogenic (PMID: 22264887). This suggests that this is a clinically significant region of the protein, and that variants that disrupt it are likely to be disease-causing. For these reasons, this variant has been classified as Pathogenic.

PreventionGenetics, part of Exact Sciences
Classification: Pathogenic. Last evaluated: 2022-11-15. Review status: criteria provided, single submitter. Criteria: ACMG Guidelines, 2015. Collection method: clinical testing. Allele origin: germline.

Literature cited by the submitters: PubMed 22264887 (cited by Labcorp Genetics (formerly Invitae), Labcorp).